The following is an entry in ClinVar:

ClinVar aggregate classification (germline): Uncertain significance. Review status: criteria provided, multiple submitters, no conflicts (2 of 4 stars). 3 submissions from 3 submitters: Uncertain significance (3). Last evaluated 2025-04-03.

Conditions:
Inborn genetic diseases. Identifiers: MedGen C0950123, MeSH D030342.

Allele frequency attached by ClinVar (database versions not stated): gnomAD exomes below 0.00001; TOPMed below 0.00001.
gnomAD v4.1: 2 of 1,613,144 alleles (0.00012%); highest among the groups gnomAD compares: Admixed American, 0.0017%; no homozygotes.

Submissions (3):

Labcorp Genetics (formerly Invitae), Labcorp
Classification: Uncertain significance. Last evaluated: 2025-04-03. Review status: criteria provided, single submitter. Criteria: Invitae Variant Classification Sherloc (09022015). Collection method: clinical testing. Allele origin: germline.
Comment: This sequence change replaces arginine, which is basic and polar, with lysine, which is basic and polar, at codon 841 of the SAMD9L protein (p.Arg841Lys). This variant is not present in population databases (gnomAD no frequency). This variant has not been reported in the literature in individuals affected with SAMD9L-related conditions. ClinVar contains an entry for this variant (Variation ID: 1318605). Invitae Evidence Modeling of protein sequence and biophysical properties (such as structural, functional, and spatial information, amino acid conservation, physicochemical variation, residue mobility, and thermodynamic stability) indicates that this missense variant is expected to disrupt SAMD9L protein function with a positive predictive value of 80%. In summary, the available evidence is currently insufficient to determine the role of this variant in disease. Therefore, it has been classified as a Variant of Uncertain Significance.

Ambry Genetics
Classification: Uncertain significance for Inborn genetic diseases. Last evaluated: 2025-04-01. Review status: criteria provided, single submitter. Criteria: Ambry Variant Classification Scheme 2023. Collection method: clinical testing. Allele origin: germline.
Comment: The p.R841K variant (also known as c.2522G>A), located in coding exon 1 of the SAMD9L gene, results from a G to A substitution at nucleotide position 2522. The arginine at codon 841 is replaced by lysine, an amino acid with highly similar properties. This amino acid position is conserved. In addition, this alteration is predicted to be tolerated by in silico analysis. Based on the available evidence, the clinical significance of this variant remains unclear.

GeneDx
Classification: Uncertain significance. Last evaluated: 2020-04-15. Review status: criteria provided, single submitter. Criteria: GeneDx Variant Classification Process June 2021. Collection method: clinical testing. Allele origin: germline. Affected: yes.
Comment: Not observed in large population cohorts (Lek et al., 2016); In silico analysis supports that this missense variant does not alter protein structure/function; Has not been previously published as pathogenic or benign to our knowledge

NM_152703.5(SAMD9L):c.2522G>A (p.Arg841Lys)

Gene: SAMD9L (sterile alpha motif domain containing 9 like; minus strand). Cytogenetic location: 7q21.2.
Variant type: single nucleotide variant.
Coding change: c.2522G>A on transcript NM_152703.5 (MANE Select); coding-DNA position 2522, G replaced by A.
Protein change: p.Arg841Lys; replaces arginine 841 with lysine.
Molecular consequence: missense variant.
Genome position (GRCh38, 1-based): chr7:93,133,450, C>T on the plus strand (G>A on the coding strand, the complement: SAMD9L is on the minus strand). VCF-style: chr7-93133450-C-T. GRCh37 (hg19) VCF-style: chr7-92762763-C-T.
Other names: c.2522G>A, p.Arg841Lys (NM_001303496.3, NM_001303497.3, NM_001303498.3 and 5 more transcripts); c.2522G>A (NM_152703.2); short protein forms R841K.
Identifiers: ClinVar variation 1318605 (VCV001318605.10), dbSNP rs990853645, ClinGen allele CA161960293.